The following is an entry in ClinVar:

NM_002439.5(MSH3):c.2133A>G (p.Leu711=)

Gene: MSH3 (mutS homolog 3; plus strand). Cytogenetic location: 5q14.1.
Variant type: single nucleotide variant.
Coding change: c.2133A>G on transcript NM_002439.5 (MANE Select); coding-DNA position 2133, A replaced by G.
Protein change: p.Leu711=; no amino-acid change (leucine 711 retained).
Molecular consequence: synonymous variant.
Genome position (GRCh38, 1-based): chr5:80,768,883, A>G. VCF-style: chr5-80768883-A-G. GRCh37 (hg19) VCF-style: chr5-80064702-A-G.
Identifiers: ClinVar variation 799014 (VCV000799014.15), dbSNP rs1580034851, ClinGen allele CA445163076.

ClinVar aggregate classification (germline): Likely benign. Review status: criteria provided, multiple submitters, no conflicts (2 of 4 stars). 3 submissions from 3 submitters: Likely benign (2). 1 of the submissions does not count toward it. Last evaluated 2024-07-17.

Conditions:
MSH3-related disorder. Also called: MSH3-related condition.
Hereditary cancer-predisposing syndrome. Also called: Tumor predisposition; Neoplastic Syndromes, Hereditary; Hereditary Cancer Syndrome; Hereditary neoplastic syndrome. Identifiers: Orphanet 140162, MedGen C0027672, MeSH D009386, MONDO:0015356.

Allele frequency attached by ClinVar (database versions not stated): gnomAD exomes below 0.00001.
gnomAD v4.1: 3 of 1,611,436 alleles (0.00019%); highest among the groups gnomAD compares: Non-Finnish European, 0.00025%; no homozygotes.

Submissions (3):

Labcorp Genetics (formerly Invitae), Labcorp
Classification: Likely benign. Last evaluated: 2024-07-17. Review status: criteria provided, single submitter. Criteria: Invitae Variant Classification Sherloc (09022015). Collection method: clinical testing. Allele origin: germline.

Ambry Genetics
Classification: Likely benign for Hereditary cancer-predisposing syndrome. Last evaluated: 2022-04-19. Review status: criteria provided, single submitter. Criteria: Ambry Variant Classification Scheme 2023. Collection method: clinical testing. Allele origin: germline.

PreventionGenetics, part of Exact Sciences
Classification: Likely benign for MSH3-related condition. Last evaluated: 2023-01-11. Review status: no assertion criteria provided. Collection method: clinical testing. Allele origin: germline. Not counted in ClinVar's aggregate classification.
Comment: This variant is classified as likely benign based on ACMG/AMP sequence variant interpretation guidelines (Richards et al. 2015 PMID: 25741868, with internal and published modifications).